The following is an entry in ClinVar:

ClinVar aggregate classification (germline): Likely pathogenic (1 of 4 stars; one submission).

Conditions:
Hypertrophic cardiomyopathy 4. Also called: Familial hypertrophic cardiomyopathy 4. Identifiers: MedGen C1861862, MONDO:0007268, OMIM 115197.

Submission:

MVZ Medizinische Genetik Mainz
Classification: Likely pathogenic for Hypertrophic cardiomyopathy 4. Last evaluated: 2025-09-03. Review status: criteria provided, single submitter. Criteria: UK Practice Guidelines For Variant Classification V4 01 2020. Collection method: clinical testing. Allele origin: germline. Inheritance: Autosomal dominant inheritance. Affected: yes. Observed: 1 variant allele.
Comment: ACMG Criteria: PVS1,PM2_SUP

NM_000256.3(MYBPC3):c.3191-2A>G

Gene: MYBPC3 (myosin binding protein C3; minus strand). Cytogenetic location: 11p11.2.
Variant type: single nucleotide variant.
Coding change: c.3191-2A>G on transcript NM_000256.3 (MANE Select); the canonical splice acceptor site of the intron before coding-DNA position 3191, A replaced by G.
Molecular consequence: splice acceptor variant.
Genome position (GRCh38, 1-based): chr11:47,333,335, T>C on the plus strand (A>G on the coding strand, the complement: MYBPC3 is on the minus strand). VCF-style: chr11-47333335-T-C. GRCh37 (hg19) VCF-style: chr11-47354886-T-C.
Identifiers: ClinVar variation 4277248 (VCV004277248.1).